The following is an entry in ClinVar:

NM_001005273.3(CHD3):c.4274T>C (p.Met1425Thr)

Gene: CHD3 (chromodomain helicase DNA binding protein 3; plus strand). Cytogenetic location: 17p13.1.
Variant type: single nucleotide variant.
Coding change: c.4274T>C on transcript NM_001005273.3 (MANE Select); coding-DNA position 4274, T replaced by C.
Protein change: p.Met1425Thr; replaces methionine 1425 with threonine.
Molecular consequence: missense variant.
Genome position (GRCh38, 1-based): chr17:7,905,905, T>C. VCF-style: chr17-7905905-T-C. GRCh37 (hg19) VCF-style: chr17-7809223-T-C.
Other names: c.4451T>C, p.Met1484Thr (NM_001005271.3); c.4274T>C, p.Met1425Thr (NM_005852.4); short protein forms M1425T, M1484T.
Identifiers: ClinVar variation 1709336 (VCV001709336.2), dbSNP rs2545062659, ClinGen allele CA397945560.

ClinVar aggregate classification (germline): Uncertain significance (1 of 4 stars; one submission).

Conditions:
Snijders Blok-Campeau syndrome. Also called: INTELLECTUAL DEVELOPMENTAL DISORDER WITH MACROCEPHALY, SPEECH DELAY, AND DYSMORPHIC FACIES. Identifiers: Orphanet 599082, MedGen C4748701, MONDO:0032600, OMIM 618205.

Submission:

MGZ Medical Genetics Center
Classification: Uncertain significance for Snijders Blok-Campeau syndrome. Last evaluated: 2022-05-04. Review status: criteria provided, single submitter. Criteria: ACMG Guidelines, 2015. Collection method: clinical testing. Allele origin: germline. Affected: yes. Observed: 1 variant allele.
Comment: ACMG criteria applied: PM2_SUP, PP2, PP3